The following is an entry in ClinVar:

NM_001126108.2(SLC12A3):c.2756G>A (p.Arg919His)

Gene: SLC12A3 (solute carrier family 12 member 3; plus strand). Cytogenetic location: 16q13.
Variant type: single nucleotide variant.
Coding change: c.2756G>A on transcript NM_001126108.2 (MANE Select); coding-DNA position 2756, G replaced by A.
Protein change: p.Arg919His; replaces arginine 919 with histidine.
Molecular consequence: missense variant.
Genome position (GRCh38, 1-based): chr16:56,902,408, G>A. VCF-style: chr16-56902408-G-A. GRCh37 (hg19) VCF-style: chr16-56936320-G-A.
Other names: c.2783G>A, p.Arg928His (NM_000339.3); c.2780G>A, p.Arg927His (NM_001126107.2); c.2753G>A, p.Arg918His (NM_001410896.1); short protein forms R927H, R928H, R918H, R919H.
Identifiers: ClinVar variation 2898486 (VCV002898486.1), dbSNP rs201639116, ClinGen allele CA8070054.
Genomic context (GRCh38, chr16:56,902,408, plus strand): 5'-CCTCAACCCACTTTCTCGTCCCCAGCACCAAGAGGTTTGAGGACATGATTGCACCCTTCC[G>A]TCTGAATGATGGCTTCAAGGATGAGGCCACTGTCAACGAGATGCGGCGGGACTGCCCCTG-3'
Protein context (NP_001119580.2, residues 909-929): KRFEDMIAPF[Arg919His]LNDGFKDEAT

ClinVar aggregate classification (germline): Uncertain significance (1 of 4 stars; one submission).

Allele frequency attached by ClinVar (database versions not stated): ExAC 0.00004; gnomAD 0.00005; TOPMed 0.00007; gnomAD exomes 0.00011; 1000 Genomes Project 0.00040; 1000 Genomes Project 30x 0.00047.
gnomAD v4.1: 162 of 1,606,860 alleles (0.01%); highest among the groups gnomAD compares: Non-Finnish European, 0.013%; no homozygotes.

Submission:

Labcorp Genetics (formerly Invitae), Labcorp
Classification: Uncertain significance. Last evaluated: 2024-01-25. Review status: criteria provided, single submitter. Criteria: Invitae Variant Classification Sherloc (09022015). Collection method: clinical testing. Allele origin: germline.
Comment: This sequence change replaces arginine, which is basic and polar, with histidine, which is basic and polar, at codon 928 of the SLC12A3 protein (p.Arg928His). This variant is present in population databases (rs201639116, gnomAD 0.009%). This variant has not been reported in the literature in individuals affected with SLC12A3-related conditions. Advanced modeling of protein sequence and biophysical properties (such as structural, functional, and spatial information, amino acid conservation, physicochemical variation, residue mobility, and thermodynamic stability) performed at Invitae indicates that this missense variant is expected to disrupt SLC12A3 protein function with a positive predictive value of 95%. In summary, the available evidence is currently insufficient to determine the role of this variant in disease. Therefore, it has been classified as a Variant of Uncertain Significance.